The following is an entry in ClinVar:

ClinVar aggregate classification (germline): Benign/Likely benign. Review status: criteria provided, multiple submitters, no conflicts (2 of 4 stars). 25 submissions from 18 submitters: Benign (13); Likely benign (9). 3 of the submissions do not count toward it. Last evaluated 2026-02-04.

Conditions:
Cardiovascular phenotype. Identifiers: MedGen CN230736.
Primary dilated cardiomyopathy (DCM). Also called: Dilated Cardiomyopathy. Identifiers: Orphanet 217604, MedGen C0007193, MeSH D002311, MONDO:0005021, HP:0001644. Inheritance: Various modes of inheritance.
Cardiomyopathy (CMYO). Also called: Cardiomyopathies. Identifiers: Orphanet 167848, MedGen C0878544, MONDO:0004994, HP:0001638. Inheritance: Various modes of inheritance.
Dilated cardiomyopathy 1G (CMD1G). Identifiers: Orphanet 154, MedGen C1858763, MONDO:0011400, OMIM 604145.
Autosomal recessive limb-girdle muscular dystrophy type 2J (LGMDR10). Also called: Limb-girdle muscular dystrophy, type 2J; MUSCULAR DYSTROPHY, LIMB-GIRDLE, AUTOSOMAL RECESSIVE 10. Identifiers: Orphanet 140922, MedGen C1837342, MONDO:0012127, OMIM 608807.
Early-onset myopathy with fatal cardiomyopathy (CMYO5). Also called: CONGENITAL MYOPATHY 5 WITH CARDIOMYOPATHY; Salih Myopathy. Identifiers: Orphanet 289377, MedGen C2673677, MONDO:0012714, OMIM 611705. Disease mechanism: loss of function.
Myopathy, myofibrillar, 9, with early respiratory failure (MFM9). Also called: MYOPATHY, PROXIMAL, WITH EARLY RESPIRATORY MUSCLE INVOLVEMENT; Myopathy, distal, with early respiratory failure, autosomal dominant; Hereditary myopathy with early respiratory failure; EDSTROM MYOPATHY. Identifiers: Orphanet 178464, Orphanet 34521, MedGen C1863599, MONDO:0011362, OMIM 603689.
Tibial muscular dystrophy (TMD). Also called: Tibial muscular dystrophy, tardive; UDD MYOPATHY; Udd Distal Myopathy – Tibial Muscular Dystrophy. Identifiers: Orphanet 609, MedGen C1838244, MONDO:0010870, OMIM 600334.

Allele frequency attached by ClinVar (database versions not stated): gnomAD exomes 0.00077 and 0.00211; ExAC 0.00272; gnomAD 0.00725 and 0.00778; TOPMed 0.00834; 1000 Genomes Project 0.00839; 1000 Genomes Project 30x 0.00937; ESP Exome Variant Server 0.01076.
gnomAD v4.1: 2,253 of 1,613,566 alleles (0.14%); highest among the groups gnomAD compares: African/African-American, 2.7%; 34 homozygotes.

Submissions (25):

Labcorp Genetics (formerly Invitae), Labcorp
Classification: Benign for Dilated cardiomyopathy 1G; Autosomal recessive limb-girdle muscular dystrophy type 2J. Last evaluated: 2026-02-04. Review status: criteria provided, single submitter. Criteria: Invitae Variant Classification Sherloc (09022015). Collection method: clinical testing. Allele origin: germline.

Molecular Diagnostic Laboratory for Inherited Cardiovascular Disease, Montreal Heart Institute
Classification: Likely benign. Last evaluated: 2025-04-09. Review status: criteria provided, single submitter. Criteria: ACMG Guidelines, 2015. Collection method: clinical testing. Allele origin: germline. Affected: no.

ARUP Laboratories, Molecular Genetics and Genomics, ARUP Laboratories
Classification: Benign. Last evaluated: 2024-06-21. Review status: criteria provided, single submitter. Criteria: ARUP Molecular Germline Variant Investigation Process 2024. Collection method: clinical testing. Allele origin: germline.

Genome-Nilou Lab
Classification: Benign for Autosomal recessive limb-girdle muscular dystrophy type 2J. Last evaluated: 2021-09-10. Review status: criteria provided, single submitter. Criteria: ACMG Guidelines, 2015. Collection method: clinical testing. Allele origin: germline. Affected: no.

Genome-Nilou Lab
Classification: Benign for Myopathy, myofibrillar, 9, with early respiratory failure. Last evaluated: 2021-09-10. Review status: criteria provided, single submitter. Criteria: ACMG Guidelines, 2015. Collection method: clinical testing. Allele origin: germline. Affected: no.

Genome-Nilou Lab
Classification: Benign for Early-onset myopathy with fatal cardiomyopathy. Last evaluated: 2021-09-10. Review status: criteria provided, single submitter. Criteria: ACMG Guidelines, 2015. Collection method: clinical testing. Allele origin: germline. Affected: no.

Genome-Nilou Lab
Classification: Benign for Tibial muscular dystrophy. Last evaluated: 2021-09-10. Review status: criteria provided, single submitter. Criteria: ACMG Guidelines, 2015. Collection method: clinical testing. Allele origin: germline. Affected: no.

Women's Health and Genetics/Laboratory Corporation of America, LabCorp
Classification: Likely benign. Last evaluated: 2020-04-12. Review status: criteria provided, single submitter. Criteria: LabCorp Variant Classification Summary - May 2015. Collection method: clinical testing. Allele origin: germline.

Center for Advanced Laboratory Medicine, UC San Diego Health, University of California San Diego
Classification: Benign for Dilated cardiomyopathy; Cardiomyopathy. Last evaluated: 2019-06-11. Review status: criteria provided, single submitter. Criteria: ACMG Guidelines, 2015. Collection method: clinical testing. Allele origin: germline. Affected: yes. Observed: 3 variant alleles.

Mayo Clinic Laboratories, Mayo Clinic
Classification: Benign. Last evaluated: 2019-02-28. Review status: criteria provided, single submitter. Criteria: ACMG Guidelines, 2015. Collection method: clinical testing. Allele origin: germline. Observed: 19 variant alleles.

CHEO Genetics Diagnostic Laboratory, Children's Hospital of Eastern Ontario
Classification: Benign for Cardiomyopathy. Last evaluated: 2017-09-07. Review status: criteria provided, single submitter. Criteria: ACMG Guidelines, 2015. Collection method: clinical testing. Allele origin: germline. Study: Canadian Open Genetics Repository.

Illumina Laboratory Services, Illumina
Classification: Likely benign for Early-onset myopathy with fatal cardiomyopathy. Last evaluated: 2017-04-27. Review status: criteria provided, single submitter. Criteria: ICSL Variant Classification Criteria 13 December 2019. Collection method: clinical testing. Allele origin: germline.
Comment: This variant was observed as part of a predisposition screen in an ostensibly healthy population. A literature search was performed for the gene, cDNA change, and amino acid change (where applicable). No publications were found based on this search. Allele frequency data from public databases allowed determination this variant is unlikely to cause disease. Therefore, this variant is classified as likely benign.

Illumina Laboratory Services, Illumina
Classification: Likely benign for Tibial muscular dystrophy. Last evaluated: 2017-04-27. Review status: criteria provided, single submitter. Criteria: ICSL Variant Classification Criteria 13 December 2019. Collection method: clinical testing. Allele origin: germline.
Comment: the same text as in the submission from Illumina Laboratory Services, Illumina above.

Illumina Laboratory Services, Illumina
Classification: Likely benign for Dilated cardiomyopathy 1G. Last evaluated: 2017-04-27. Review status: criteria provided, single submitter. Criteria: ICSL Variant Classification Criteria 13 December 2019. Collection method: clinical testing. Allele origin: germline.
Comment: This variant was observed as part of a predisposition screen in an ostensibly healthy population. A literature search was performed for the gene, cDNA change, and amino acid change (where applicable). Publications were found based on this search. The evidence from the literature, in combination with allele frequency data from public databases where available, was sufficient to determine this variant is unlikely to cause disease. Therefore, this variant is classified as likely benign.

Illumina Laboratory Services, Illumina
Classification: Likely benign for Myopathy, myofibrillar, 9, with early respiratory failure. Last evaluated: 2017-04-27. Review status: criteria provided, single submitter. Criteria: ICSL Variant Classification Criteria 13 December 2019. Collection method: clinical testing. Allele origin: germline.
Comment: the same text as in the submission from Illumina Laboratory Services, Illumina above.

Illumina Laboratory Services, Illumina
Classification: Likely benign for Autosomal recessive limb-girdle muscular dystrophy type 2J. Last evaluated: 2017-04-27. Review status: criteria provided, single submitter. Criteria: ICSL Variant Classification Criteria 13 December 2019. Collection method: clinical testing. Allele origin: germline.
Comment: the same text as in the submission from Illumina Laboratory Services, Illumina above.

Center for Pediatric Genomic Medicine, Children's Mercy Hospital and Clinics
Classification: Likely benign. Last evaluated: 2017-04-24. Review status: criteria provided, single submitter. Criteria: ACMG Guidelines, 2015. Collection method: clinical testing. Allele origin: germline.

GeneDx
Classification: Benign. Last evaluated: 2014-03-11. Review status: criteria provided, single submitter. Criteria: GeneDx Variant Classification (06012015). Collection method: clinical testing. Allele origin: germline. Affected: yes.
Comment: This variant is considered likely benign or benign based on one or more of the following criteria: it is a conservative change, it occurs at a poorly conserved position in the protein, it is predicted to be benign by multiple in silico algorithms, and/or has population frequency not consistent with disease.

Ambry Genetics
Classification: Benign for Cardiovascular phenotype. Last evaluated: 2013-09-13. Review status: criteria provided, single submitter. Criteria: Ambry Autosomal Dominant and X-Linked criteria (10/2015). Collection method: clinical testing. Allele origin: germline. Observed: 1 variant allele.

Biesecker Lab/Clinical Genomics Section, National Institutes of Health
Classification: Benign. Last evaluated: 2013-06-24. Review status: criteria provided, single submitter. Criteria: Ng et al. (Circ Cardiovasc Genet. 2013). Collection method: research. Allele origin: unknown. Observed: 3 variant alleles. Study: ClinSeq.
Comment: The study set was not selected for affection status in relation to any cancer. Pathogenicity categories were based on literature curation. See Pubmed ID:23861362 for details.

Medical sequencing

Laboratory for Molecular Medicine, Mass General Brigham Personalized Medicine
Classification: Benign. Last evaluated: 2012-03-19. Review status: criteria provided, single submitter. Criteria: LMM Criteria. Collection method: clinical testing. Allele origin: germline. Observed: 13 variant alleles.
Comment: p.Asp2243Tyr in Exon 29 of TTN: This variant is not expected to have clinical si gnificance because it has been identified in 3.1% (116/3738) of African American chromosomes from a broad population by the NHLBI Exome Sequencing Project (dbSNP rs138787974).

Breakthrough Genomics
Classification: Likely benign. Review status: criteria provided, single submitter. Criteria: ACMG Guidelines, 2015. Collection method: not provided. Allele origin: germline. Inheritance: Autosomal recessive inheritance. Affected: yes.

Clinical Genetics DNA and cytogenetics Diagnostics Lab, Erasmus MC, Erasmus Medical Center
Classification: Benign. Review status: no assertion criteria provided. Collection method: clinical testing. Allele origin: germline. Affected: yes. Study: VKGL Data-share Consensus. Not counted in ClinVar's aggregate classification.

Clinical Genetics, Academic Medical Center
Classification: Benign. Review status: no assertion criteria provided. Collection method: clinical testing. Allele origin: germline. Affected: yes. Study: VKGL Data-share Consensus. Not counted in ClinVar's aggregate classification.

Diagnostic Laboratory, Department of Genetics, University Medical Center Groningen
Classification: Likely benign. Review status: no assertion criteria provided. Collection method: clinical testing. Allele origin: germline. Affected: yes. Study: VKGL Data-share Consensus. Not counted in ClinVar's aggregate classification.

Literature cited by the submitters: PubMed 23861362 (cited by Illumina Laboratory Services, Illumina).

NM_001267550.2(TTN):c.6727G>T (p.Asp2243Tyr)

Gene: TTN (titin; minus strand). Cytogenetic location: 2q31.2.
Variant type: single nucleotide variant.
Coding change: c.6727G>T on transcript NM_001267550.2 (MANE Select); coding-DNA position 6727, G replaced by T.
Protein change: p.Asp2243Tyr; replaces aspartic acid 2243 with tyrosine.
Molecular consequence: missense variant.
Genome position (GRCh38, 1-based): chr2:178,774,984, C>A on the plus strand (G>T on the coding strand, the complement: TTN is on the minus strand). VCF-style: chr2-178774984-C-A. GRCh37 (hg19) VCF-style: chr2-179639711-C-A.
Other names: p.D2243Y:GAT>TAT; c.6727G>T, p.Asp2243Tyr (NM_001256850.1, NM_133378.4, NM_133379.5); c.6589G>T, p.Asp2197Tyr (NM_003319.4, NM_133432.3, NM_133437.4); short protein forms D2243Y, D2197Y.
Identifiers: ClinVar variation 47334 (VCV000047334.37), dbSNP rs138787974, ClinGen allele CA283754.
Genomic context (GRCh38, chr2:178,774,984, plus strand): 5'-CAACAATAAGTTTAGCAGTCGTTTTGACATTTTCATCTTCCACAAGTACACAGCTGTAAT[C>A]TTCAGCATCAGACGTATCAATGGTCAGTATGGAGAGGAAGTGAACCTTTCTGTCAGAGTG-3'
Protein context (NP_001254479.2, residues 2233-2253): ILTIDTSDAE[Asp2243Tyr]YSCVLVEDEN